The following is an entry in ClinVar:

ClinVar aggregate classification (germline): Uncertain significance (1 of 4 stars; one submission).

Conditions:
Long QT syndrome (LQTS). Identifiers: MedGen C0023976, MeSH D008133, MONDO:0002442. Disease mechanism: loss of function. Inheritance: Various modes of inheritance.

Submission:

Labcorp Genetics (formerly Invitae), Labcorp
Classification: Uncertain significance for Long QT syndrome. Last evaluated: 2022-04-22. Review status: criteria provided, single submitter. Criteria: Invitae Variant Classification Sherloc (09022015). Collection method: clinical testing. Allele origin: germline.
Comment: This variant has not been reported in the literature in individuals affected with KCNH2-related conditions. In summary, the available evidence is currently insufficient to determine the role of this variant in disease. Therefore, it has been classified as a Variant of Uncertain Significance. Algorithms developed to predict the effect of missense changes on protein structure and function are either unavailable or do not agree on the potential impact of this missense change (SIFT: "Tolerated"; PolyPhen-2: "Possibly Damaging"; Align-GVGD: "Class C0"). This variant is not present in population databases (gnomAD no frequency). This sequence change replaces glutamic acid, which is acidic and polar, with glycine, which is neutral and non-polar, at codon 289 of the KCNH2 protein (p.Glu289Gly).

NM_000238.4(KCNH2):c.866A>G (p.Glu289Gly)

Gene: KCNH2 (potassium voltage-gated channel subfamily H member 2; minus strand). Cytogenetic location: 7q36.1.
Variant type: single nucleotide variant.
Coding change: c.866A>G on transcript NM_000238.4 (MANE Select); coding-DNA position 866, A replaced by G.
Protein change: p.Glu289Gly; replaces glutamic acid 289 with glycine.
Molecular consequence: missense variant.
Genome position (GRCh38, 1-based): chr7:150,958,109, T>C on the plus strand (A>G on the coding strand, the complement: KCNH2 is on the minus strand). VCF-style: chr7-150958109-T-C. GRCh37 (hg19) VCF-style: chr7-150655197-T-C.
Other names: c.578A>G, p.Glu193Gly (NM_001406753.1, NM_001406756.1); c.689A>G, p.Glu230Gly (NM_001406755.1); c.566A>G, p.Glu189Gly (NM_001406757.1); c.866A>G, p.Glu289Gly (NM_172056.3); short protein forms E230G, E189G, E289G, E193G.
Identifiers: ClinVar variation 1910822 (VCV001910822.5), dbSNP rs2486088559, ClinGen allele CA369862219.